The following is an entry in ClinVar:

NM_001844.5(COL2A1):c.2761G>C (p.Gly921Arg)

Gene: COL2A1 (collagen type II alpha 1 chain; minus strand). Cytogenetic location: 12q13.11.
Variant type: single nucleotide variant.
Coding change: c.2761G>C on transcript NM_001844.5 (MANE Select); coding-DNA position 2761, G replaced by C.
Protein change: p.Gly921Arg; replaces glycine 921 with arginine.
Molecular consequence: missense variant.
Genome position (GRCh38, 1-based): chr12:47,978,731, C>G on the plus strand (G>C on the coding strand, the complement: COL2A1 is on the minus strand). VCF-style: chr12-47978731-C-G. GRCh37 (hg19) VCF-style: chr12-48372514-C-G.
Other names: c.2554G>C, p.Gly852Arg (NM_033150.3); short protein forms G852R, G921R.
Identifiers: ClinVar variation 4709941 (VCV004709941.1).
Genomic context (GRCh38, chr12:47,978,731, plus strand): 5'-CTCGGCCAGGGGGGCCGCTGTCTCCTCGAGCACCTTTGGGACCATCTTTTCCAGAAGGAC[C>G]AGGGGGACCAGGGGGTCCAGGGTTGCCCTAGAAGGAGAAAATGCGGGAAGTGAGGACTCA-3'
Protein context (NP_001835.3, residues 911-931): NGNPGPPGPP[Gly921Arg]PSGKDGPKGA

ClinVar aggregate classification (germline): Pathogenic (1 of 4 stars; one submission).

Submission:

Labcorp Genetics (formerly Invitae), Labcorp
Classification: Pathogenic. Last evaluated: 2025-11-23. Review status: criteria provided, single submitter. Criteria: Invitae Variant Classification Sherloc (09022015). Collection method: clinical testing. Allele origin: germline.
Comment: This sequence change replaces glycine, which is neutral and non-polar, with arginine, which is basic and polar, at codon 921 of the COL2A1 protein (p.Gly921Arg). This variant is not present in population databases (gnomAD no frequency). This missense change has been observed in individuals with COL2A1-related conditions (PMID: 17347327). Invitae Evidence Modeling of protein sequence and biophysical properties (such as structural, functional, and spatial information, amino acid conservation, physicochemical variation, residue mobility, and thermodynamic stability) indicates that this missense variant is expected to disrupt COL2A1 protein function with a positive predictive value of 95%. This variant disrupts the triple helix domain of COL2A1. Glycine residues within the Gly-Xaa-Yaa repeats of the triple helix domain are required for the structure and stability of fibrillar collagens (PMID: 7695699, 8218237, 19344236). In COL2A1, variants affecting these glycine residues are significantly enriched in individuals with disease (PMID: 9016532, 17078022) compared to the general population (ExAC). For these reasons, this variant has been classified as Pathogenic.

Literature cited by the submitters: PubMed 17347327; PubMed 7695699; PubMed 8218237; PubMed 19344236; PubMed 9016532; PubMed 17078022.